The following is an entry in ClinVar:

ClinVar aggregate classification (germline): Likely benign (1 of 4 stars; one submission).

Submission:

CeGaT Center for Human Genetics Tuebingen
Classification: Likely benign. Last evaluated: 2026-03-01. Review status: criteria provided, single submitter. Criteria: CeGaT Center For Human Genetics Tuebingen Variant Classification Criteria Version 2. Collection method: clinical testing. Allele origin: germline. Affected: yes. Observed: 1 variant allele.
Comment: MAMLD1: PM2:Supporting, BP4, BP7

NM_005491.5(MAMLD1):c.*469G>T

Gene: MAMLD1 (mastermind like domain containing 1; plus strand). Cytogenetic location: Xq28.
Variant type: single nucleotide variant.
Coding change: c.*469G>T on transcript NM_005491.5 (MANE Select); 469 bases downstream of the stop codon, G replaced by T.
Molecular consequence: 3 prime UTR variant. On other transcripts: synonymous variant (2).
Genome position (GRCh38, 1-based): chrX:150,512,428, G>T. VCF-style: chrX-150512428-G-T. GRCh37 (hg19) VCF-style: chrX-149680698-G-T.
Other names: c.2352G>T, p.Ala784= (NM_001177465.3); c.*469G>T (NM_001177466.3, NM_001400513.1, NM_001400514.1 and 1 more transcripts); c.2427G>T, p.Ala809= (NM_001400512.1).
Identifiers: ClinVar variation 4821711 (VCV004821711.4).